The following is an entry in ClinVar:

ClinVar aggregate classification (germline): Uncertain significance (1 of 4 stars; one submission).

Submission:

Ambry Genetics
Classification: Uncertain significance. Last evaluated: 2025-05-15. Review status: criteria provided, single submitter. Criteria: Ambry Variant Classification Scheme 2023. Collection method: clinical testing. Allele origin: germline.
Comment: The p.M201T variant (also known as c.602T>C), located in coding exon 5 of the RECQL gene, results from a T to C substitution at nucleotide position 602. The methionine at codon 201 is replaced by threonine, an amino acid with similar properties. This amino acid position is conserved. In addition, this alteration is predicted to be deleterious by in silico analysis. Based on the available evidence, the clinical significance of this variant remains unclear.

NM_002907.4(RECQL):c.602T>C (p.Met201Thr)

Gene: RECQL (RecQ like helicase; minus strand). Cytogenetic location: 12p12.1.
Variant type: single nucleotide variant.
Coding change: c.602T>C on transcript NM_002907.4 (MANE Select); coding-DNA position 602, T replaced by C.
Protein change: p.Met201Thr; replaces methionine 201 with threonine.
Molecular consequence: missense variant.
Genome position (GRCh38, 1-based): chr12:21,483,474, A>G on the plus strand (T>C on the coding strand, the complement: RECQL is on the minus strand). VCF-style: chr12-21483474-A-G. GRCh37 (hg19) VCF-style: chr12-21636408-A-G.
Other names: c.602T>C, p.Met201Thr (NM_032941.3); short protein forms M201T.
Identifiers: ClinVar variation 3944186 (VCV003944186.1).